The following is an entry in ClinVar:

ClinVar aggregate classification (germline): Uncertain significance (0 of 4 stars; one submission).

Conditions:
AFF4-related disorder. Also called: AFF4-related condition.

Submission:

PreventionGenetics, part of Exact Sciences
Classification: Uncertain significance for AFF4-related condition. Last evaluated: 2023-12-21. Review status: no assertion criteria provided. Collection method: clinical testing. Allele origin: germline.
Comment: The AFF4 c.1559_1562delinsTAGAAACAAG variant is predicted to result in an in-frame deletion and insertion. To our knowledge, this variant has not been reported in the literature or in a large population database, indicating this variant is rare. At this time, the clinical significance of this variant is uncertain due to the absence of conclusive functional and genetic evidence.

NM_014423.4(AFF4):c.1559_1562delinsTAGAAACAAG (p.Gly520_Pro521delinsValGluThrSer)

Gene: AFF4 (ALF transcription elongation factor 4; minus strand). Cytogenetic location: 5q31.1.
Variant type: Indel.
Coding change: c.1559_1562delinsTAGAAACAAG on transcript NM_014423.4 (MANE Select); coding-DNA positions 1559 to 1562, GACC replaced by TAGAAACAAG.
Protein change: p.Gly520_Pro521delinsValGluThrSer.
Molecular consequence: inframe indel.
Genome position (GRCh38, 1-based): chr5:132,897,068-132,897,071, GGTC replaced by CTTGTTTCTA on the plus strand (GACC replaced by TAGAAACAAG on the coding strand, the reverse complement: AFF4 is on the minus strand). VCF-style: chr5-132897068-GGTC-CTTGTTTCTA. GRCh37 (hg19) VCF-style: chr5-132232760-GGTC-CTTGTTTCTA.
Identifiers: ClinVar variation 3349449 (VCV003349449.1).